The following is an entry in ClinVar:

Conditions:
Long QT syndrome 5 (LQT5). Identifiers: Orphanet 101016, Orphanet 768, MedGen C1867904, MONDO:0013372, OMIM 613695.

Submission:

Roden Lab, Vanderbilt University Medical Center
No classification provided (evidence only). Condition: Long QT syndrome 5. Review status: no classification provided. Collection method: in vitro. Allele origin: not applicable. Functional consequence: Effect on ion channel function.
ClinVar note: "not provided" was previously submitted as the classification for the variant. However, the classification appeared to be based only on an observation of functional data so it was converted to no classification on 2025-07-30.

NM_000219.6(KCNE1):c.144C>T (p.Leu48=)

Gene: KCNE1 (potassium voltage-gated channel subfamily E regulatory subunit 1; minus strand). Cytogenetic location: 21q22.12.
Variant type: single nucleotide variant.
Coding change: c.144C>T on transcript NM_000219.6 (MANE Select); coding-DNA position 144, C replaced by T.
Protein change: p.Leu48=; no amino-acid change (leucine 48 retained).
Molecular consequence: synonymous variant.
Genome position (GRCh38, 1-based): chr21:34,449,491, G>A on the plus strand (C>T on the coding strand, the complement: KCNE1 is on the minus strand). VCF-style: chr21-34449491-G-A. GRCh37 (hg19) VCF-style: chr21-35821789-G-A.
Other names: c.144C>T, p.Leu48= (NM_001127668.4, NM_001127669.4, NM_001127670.4 and 4 more transcripts).
Identifiers: ClinVar variation 3374162 (VCV003374162.2).